The following is an entry in ClinVar:

NM_000051.4(ATM):c.710C>A (p.Thr237Asn)

Gene: ATM (ATM serine/threonine kinase; plus strand). Cytogenetic location: 11q22.3.
Variant type: single nucleotide variant.
Coding change: c.710C>A on transcript NM_000051.4 (MANE Select); coding-DNA position 710, C replaced by A.
Protein change: p.Thr237Asn; replaces threonine 237 with asparagine.
Molecular consequence: missense variant.
Genome position (GRCh38, 1-based): chr11:108,244,835, C>A. VCF-style: chr11-108244835-C-A. GRCh37 (hg19) VCF-style: chr11-108115562-C-A.
Other names: c.710C>A, p.Thr237Asn (NM_001351834.2); short protein forms T237N.
Identifiers: ClinVar variation 3893834 (VCV003893834.1).

ClinVar aggregate classification (germline): Uncertain significance (1 of 4 stars; one submission).

Conditions:
Hereditary cancer-predisposing syndrome. Also called: Neoplastic Syndromes, Hereditary; Tumor predisposition; Hereditary Cancer Syndrome; Hereditary neoplastic syndrome. Identifiers: Orphanet 140162, MedGen C0027672, MeSH D009386, MONDO:0015356.

Submission:

Color Diagnostics, LLC DBA Color Health
Classification: Uncertain significance for Hereditary cancer-predisposing syndrome. Last evaluated: 2024-05-13. Review status: criteria provided, single submitter. Criteria: ACMG Guidelines, 2015. Collection method: clinical testing. Allele origin: germline.
Comment: This missense variant replaces threonine with asparagine at codon 237 of the ATM protein. Computational prediction suggests that this variant may not impact protein structure and function (internally defined REVEL score threshold <= 0.5, PMID: 27666373). To our knowledge, functional studies have not been reported for this variant. This variant has not been reported in individuals affected with ATM-related disorders in the literature. This variant has not been identified in the general population by the Genome Aggregation Database (gnomAD). The available evidence is insufficient to determine the role of this variant in disease conclusively. Therefore, this variant is classified as a Variant of Uncertain Significance.